The following is an entry in ClinVar:

ClinVar aggregate classification (germline): Likely benign (1 of 4 stars; one submission).

Submission:

CeGaT Center for Human Genetics Tuebingen
Classification: Likely benign. Last evaluated: 2022-10-01. Review status: criteria provided, single submitter. Criteria: CeGaT Center For Human Genetics Tuebingen Variant Classification Criteria Version 2. Collection method: clinical testing. Allele origin: germline. Affected: yes. Observed: 1 variant allele.
Comment: CFAP46: PM2:Supporting, BP4, BP7

NM_001200049.3(CFAP46):c.3867G>A (p.Leu1289=)

Gene: CFAP46 (cilia and flagella associated protein 46; minus strand). Cytogenetic location: 10q26.3.
Variant type: single nucleotide variant.
Coding change: c.3867G>A on transcript NM_001200049.3 (MANE Select); coding-DNA position 3867, G replaced by A.
Protein change: p.Leu1289=; no amino-acid change (leucine 1289 retained).
Molecular consequence: synonymous variant.
Genome position (GRCh38, 1-based): chr10:132,879,564, C>T on the plus strand (G>A on the coding strand, the complement: CFAP46 is on the minus strand). VCF-style: chr10-132879564-C-T. GRCh37 (hg19) VCF-style: chr10-134693068-C-T.
Identifiers: ClinVar variation 2640987 (VCV002640987.24), dbSNP rs2539718195, ClinGen allele CA471865825.